The following is an entry in ClinVar:

ClinVar aggregate classification (germline): Pathogenic (1 of 4 stars; one submission).

Conditions:
Congenital myasthenic syndrome (CMS). Also called: Congenital Myasthenic Syndromes. Identifiers: Orphanet 590, MedGen C0751882, MeSH D020294, MONDO:0018940.

Submission:

Myriad Genetics, Inc.
Classification: Pathogenic for Congenital myasthenic syndrome. Last evaluated: 2026-03-22. Review status: criteria provided, single submitter. Criteria: Myriad Autosomal Dominant, Autosomal Recessive and X-Linked Classification Criteria (2023). Collection method: clinical testing. Allele origin: unknown.
Comment: NM_000080.3(CHRNE):c.761dupT(S255Lfs*142) is expected to be pathogenic in the context of congenital myasthenic syndrome, CHRNE-related. This variant is predicted to lead to an abnormal or absent protein product due to the creation of a premature termination codon in CHRNE, a gene where loss-of-function variants are known to be pathogenic. Please note: this variant was assessed in the context of healthy population screening.

NM_000080.4(CHRNE):c.761dup (p.Ser255fs)

Genes: C17orf107 (chromosome 17 open reading frame 107; plus strand), CHRNE (cholinergic receptor nicotinic epsilon subunit; minus strand). Cytogenetic location: 17p13.2.
Variant type: Duplication.
Coding change: c.761dup on transcript NM_000080.4 (MANE Select); coding-DNA position 761, one base duplicated (T; older notation c.761dupT).
Protein change: p.Ser255fs; shifts the reading frame from serine 255.
Molecular consequence: frameshift variant. On other transcripts: 3 prime UTR variant (1).
Genome position (GRCh38, 1-based): chr17:4,901,031, A duplicated on the plus strand (T on the coding strand, the reverse complement: CHRNE is on the minus strand). VCF-style (leftmost placement, unchanged base first): chr17-4901030-G-GA. GRCh37 (hg19) VCF-style: chr17-4804325-G-GA.
Other names: c.*498dup (NM_001145536.2); short protein forms S255fs.
Identifiers: ClinVar variation 5015713 (VCV005015713.1).